The following is an entry in ClinVar:

ClinVar aggregate classification (germline): Uncertain significance (1 of 4 stars; one submission).

gnomAD v4.1: 1 of 1,606,628 alleles (0.000062%); highest among the groups gnomAD compares: Non-Finnish European, 0.000085%; no homozygotes.

Submission:

Labcorp Genetics (formerly Invitae), Labcorp
Classification: Uncertain significance. Last evaluated: 2022-08-16. Review status: criteria provided, single submitter. Criteria: Invitae Variant Classification Sherloc (09022015). Collection method: clinical testing. Allele origin: germline.
Comment: This sequence change affects codon 1143 of the TRAPPC9 mRNA. It is a 'silent' change, meaning that it does not change the encoded amino acid sequence of the TRAPPC9 protein. This variant is not present in population databases (gnomAD no frequency). This variant has not been reported in the literature in individuals affected with TRAPPC9-related conditions. Algorithms developed to predict the effect of sequence changes on RNA splicing suggest that this variant may create or strengthen a splice site. In summary, the available evidence is currently insufficient to determine the role of this variant in disease. Therefore, it has been classified as a Variant of Uncertain Significance.

NM_001160372.4(TRAPPC9):c.3135G>A (p.Val1045=)

Gene: TRAPPC9 (trafficking protein particle complex subunit 9; minus strand). Cytogenetic location: 8q24.3.
Variant type: single nucleotide variant.
Coding change: c.3135G>A on transcript NM_001160372.4 (MANE Select); coding-DNA position 3135, G replaced by A.
Protein change: p.Val1045=; no amino-acid change (valine 1045 retained).
Molecular consequence: synonymous variant. On other transcripts: non-coding transcript variant (1).
Genome position (GRCh38, 1-based): chr8:139,732,123, C>T on the plus strand (G>A on the coding strand, the complement: TRAPPC9 is on the minus strand). VCF-style: chr8-139732123-C-T. GRCh37 (hg19) VCF-style: chr8-140744366-C-T.
Other names: c.3108G>A, p.Val1036= (NM_001321646.2); c.3156G>A, p.Val1052= (NM_001374682.1); c.3024G>A, p.Val1008= (NM_001374683.1); c.2991G>A, p.Val997= (NM_001374684.1); c.3135G>A, p.Val1045= (NM_031466.8).
Identifiers: ClinVar variation 2120752 (VCV002120752.4), dbSNP rs2488513445, ClinGen allele CA463222710.